The following is an entry in ClinVar:

NM_023036.6(DNAI2):c.262del (p.Leu88fs)

Gene: DNAI2 (dynein axonemal intermediate chain 2; plus strand). Cytogenetic location: 17q25.1.
Variant type: Deletion.
Coding change: c.262del on transcript NM_023036.6 (MANE Select); coding-DNA position 262, one base deleted (C; older notation c.262delC).
Protein change: p.Leu88fs; shifts the reading frame from leucine 88.
Molecular consequence: frameshift variant. On other transcripts: non-coding transcript variant (1).
Genome position (GRCh38, 1-based): chr17:74,285,118, C deleted; the last of 5 consecutive C bases (chr17:74,285,114-74,285,118); deleting any one gives the same sequence. VCF-style (leftmost placement, unchanged base first): chr17-74285113-AC-A. GRCh37 (hg19) VCF-style: chr17-72281252-AC-A.
Other names: c.262del, p.Leu88fs (NM_001172810.3, NM_001353167.2); short protein forms L88fs.
Identifiers: ClinVar variation 2788202 (VCV002788202.4), dbSNP rs2509692803, ClinGen allele CA2695227011.

ClinVar aggregate classification (germline): Pathogenic. Review status: criteria provided, multiple submitters, no conflicts (2 of 4 stars). 2 submissions from 2 submitters: Pathogenic (2). Last evaluated 2024-05-14.

Conditions:
Primary ciliary dyskinesia. Also called: Ciliary dyskinesia. Identifiers: Orphanet 244, MedGen C0008780, MONDO:0016575, HP:0012265.
Primary ciliary dyskinesia 9. Also called: CILIARY DYSKINESIA, PRIMARY, 9, WITH OR WITHOUT SITUS INVERSUS. Identifiers: Orphanet 244, MedGen C2676235, MONDO:0012906, OMIM 612444.

Submissions (2):

Myriad Genetics, Inc.
Classification: Pathogenic for Primary ciliary dyskinesia 9. Last evaluated: 2024-05-14. Review status: criteria provided, single submitter. Criteria: Myriad Autosomal Dominant, Autosomal Recessive and X-Linked Classification Criteria (2023). Collection method: clinical testing. Allele origin: unknown.
Comment: NM_023036.4(DNAI2):c.262delC(L88Wfs*55) is expected to be pathogenic in the context of primary ciliary dyskinesia, DNAI2-related. This variant is predicted to lead to an abnormal or absent protein product due to the creation of a premature termination codon in DNAI2, a gene where loss-of-function variants are known to be pathogenic. Please note: this variant was assessed in the context of healthy population screening.

Labcorp Genetics (formerly Invitae), Labcorp
Classification: Pathogenic for Primary ciliary dyskinesia. Last evaluated: 2023-12-19. Review status: criteria provided, single submitter. Criteria: Invitae Variant Classification Sherloc (09022015). Collection method: clinical testing. Allele origin: germline.
Comment: This sequence change creates a premature translational stop signal (p.Leu88Trpfs*55) in the DNAI2 gene. It is expected to result in an absent or disrupted protein product. Loss-of-function variants in DNAI2 are known to be pathogenic (PMID: 18950741, 23891469). This variant is not present in population databases (gnomAD no frequency). This variant has not been reported in the literature in individuals affected with DNAI2-related conditions. For these reasons, this variant has been classified as Pathogenic.

Literature cited by the submitters: PubMed 18950741 (cited by Labcorp Genetics (formerly Invitae), Labcorp); PubMed 23891469 (cited by Labcorp Genetics (formerly Invitae), Labcorp).